The following is an entry in ClinVar:

ClinVar aggregate classification (germline): Pathogenic (1 of 4 stars; one submission).

Submission:

Labcorp Genetics (formerly Invitae), Labcorp
Classification: Pathogenic. Last evaluated: 2023-05-22. Review status: criteria provided, single submitter. Criteria: Invitae Variant Classification Sherloc (09022015). Collection method: clinical testing. Allele origin: unknown.
Comment: For these reasons, this variant has been classified as Pathogenic. This variant disrupts a region of the MLC1 protein in which other variant(s) (p.Gly212Arg) have been determined to be pathogenic (PMID: 11254442, 21145992, 27322623). This suggests that this is a clinically significant region of the protein, and that variants that disrupt it are likely to be disease-causing. Experimental studies and prediction algorithms are not available or were not evaluated, and the functional significance of this variant is currently unknown. This variant has not been reported in the literature in individuals affected with MLC1-related conditions. This variant is a gross deletion of the genomic region encompassing exon(s) 8-9 of the MLC1 gene. This variant would be expected to be in-frame, preserving the integrity of the reading frame.

Literature cited by the submitters: PubMed 11254442; PubMed 21145992; PubMed 27322623.

NC_000022.10:g.(?_50508936)_(50512781_?)del

Gene: MLC1 (modulator of VRAC current 1; minus strand). Cytogenetic location: 22q13.33.
Variant type: Deletion.
Identifiers: ClinVar variation 3248124 (VCV003248124.1).